The following is an entry in ClinVar:

NM_170784.3(MKKS):c.1237A>G (p.Thr413Ala)

Gene: MKKS (MKKS centrosomal shuttling protein; minus strand). Cytogenetic location: 20p12.2.
Variant type: single nucleotide variant.
Coding change: c.1237A>G on transcript NM_170784.3 (MANE Select); coding-DNA position 1237, A replaced by G.
Protein change: p.Thr413Ala; replaces threonine 413 with alanine.
Molecular consequence: missense variant. On other transcripts: non-coding transcript variant (1).
Genome position (GRCh38, 1-based): chr20:10,407,651, T>C on the plus strand (A>G on the coding strand, the complement: MKKS is on the minus strand). VCF-style: chr20-10407651-T-C. GRCh37 (hg19) VCF-style: chr20-10388299-T-C.
Other names: c.1237A>G, p.Thr413Ala (NM_018848.3); short protein forms T413A.
Identifiers: ClinVar variation 3355032 (VCV003355032.1).

ClinVar aggregate classification (germline): Uncertain significance (0 of 4 stars; one submission).

Conditions:
MKKS-related disorder. Also called: MKKS-related condition; MKKS-related disorders.

gnomAD v4.1: 2 of 1,614,042 alleles (0.00012%); highest among the groups gnomAD compares: Admixed American, 0.0033%; no homozygotes.

Submission:

PreventionGenetics, part of Exact Sciences
Classification: Uncertain significance for MKKS-related condition. Last evaluated: 2024-05-14. Review status: no assertion criteria provided. Collection method: clinical testing. Allele origin: germline.
Comment: The MKKS c.1237A>G variant is predicted to result in the amino acid substitution p.Thr413Ala. To our knowledge, this variant has not been reported in the literature. This variant is reported in 0.0058% of alleles in individuals of Latino descent in gnomAD. At this time, the clinical significance of this variant is uncertain due to the absence of conclusive functional and genetic evidence.